The following is an entry in ClinVar:

NM_198904.4(GABRG2):c.1128+3A>T

Gene: GABRG2 (gamma-aminobutyric acid type A receptor subunit gamma2; plus strand). Cytogenetic location: 5q34.
Variant type: single nucleotide variant.
Coding change: c.1128+3A>T on transcript NM_198904.4 (MANE Select); 3 bases into the intron after coding-DNA position 1128, A replaced by T.
Molecular consequence: intron variant.
Genome position (GRCh38, 1-based): chr5:162,149,316, A>T. VCF-style: chr5-162149316-A-T. GRCh37 (hg19) VCF-style: chr5-161576322-A-T.
Other names: c.1248+3A>T (NM_198903.2, NM_001375343.1); c.1128+3A>T (NM_000816.3); c.1167+3A>T (NM_001375344.1); c.923-2414A>T (NM_001375340.1); c.1125+3A>T (NM_001375341.1, NM_001375342.1); c.708+3A>T (NM_001375350.1, NM_001375348.1); c.1119+3A>T (NM_001375339.1); c.1062+3A>T (NM_001375346.1, NM_001375345.1); and 2 more.
Identifiers: ClinVar variation 4812920 (VCV004812920.1).
Genomic context (GRCh38, chr5:162,149,316, plus strand): 5'-TTATTTTGTCAGCAACCGGAAACCAAGCAAGGACAAAGATAAAAAGAAGAAAAACCCTGT[A>T]TGTATCATTTTCCATTGGCACCATTGAAATTTTTATGATTTCGGTTTAGTTTGTTTTCAT-3'

ClinVar aggregate classification (germline): Uncertain significance (1 of 4 stars; one submission).

Submission:

GeneDx
Classification: Uncertain significance. Last evaluated: 2025-08-28. Review status: criteria provided, single submitter. Criteria: GeneDx Variant Classification Process June 2021. Collection method: clinical testing. Allele origin: germline. Affected: yes.
Comment: Not observed at significant frequency in large population cohorts (gnomAD); Has not been previously published as pathogenic or benign to our knowledge; In silico analysis is inconclusive as to whether the variant alters gene splicing. In the absence of RNA/functional studies, the actual effect of this sequence change is unknown.